The following is an entry in ClinVar:

NM_000435.3(NOTCH3):c.832T>C (p.Cys278Arg)

Gene: NOTCH3 (notch receptor 3; minus strand). Cytogenetic location: 19p13.12.
Variant type: single nucleotide variant.
Coding change: c.832T>C on transcript NM_000435.3 (MANE Select); coding-DNA position 832, T replaced by C.
Protein change: p.Cys278Arg; replaces cysteine 278 with arginine.
Molecular consequence: missense variant.
Genome position (GRCh38, 1-based): chr19:15,191,628, A>G on the plus strand (T>C on the coding strand, the complement: NOTCH3 is on the minus strand). VCF-style: chr19-15191628-A-G. GRCh37 (hg19) VCF-style: chr19-15302439-A-G.
Other names: p.Cys278Arg; short protein forms C278R.
Identifiers: ClinVar variation 4542329 (VCV004542329.1).

ClinVar aggregate classification (germline): Pathogenic (1 of 4 stars; one submission).

Submission:

Mayo Clinic Laboratories, Mayo Clinic
Classification: Pathogenic. Last evaluated: 2025-04-24. Review status: criteria provided, single submitter. Criteria: ACMG Guidelines, 2015. Collection method: clinical testing. Allele origin: germline. Observed: 1 variant allele.
Comment: PP2, PP3_strong, PP4, PM1, PM2_supporting

Literature cited by the submitters: PubMed 25929831.